The following is an entry in ClinVar:

ClinVar aggregate classification (germline): Uncertain significance (1 of 4 stars; one submission).

Conditions:
Dilated cardiomyopathy 1G (CMD1G). Identifiers: Orphanet 154, MedGen C1858763, MONDO:0011400, OMIM 604145.
Autosomal recessive limb-girdle muscular dystrophy type 2J (LGMDR10). Also called: MUSCULAR DYSTROPHY, LIMB-GIRDLE, AUTOSOMAL RECESSIVE 10; Limb-girdle muscular dystrophy, type 2J. Identifiers: Orphanet 140922, MedGen C1837342, MONDO:0012127, OMIM 608807.

Allele frequency attached by ClinVar (database versions not stated): gnomAD 0.00001; TOPMed 0.00001.
gnomAD v4.1: 4 of 1,610,936 alleles (0.00025%); highest among the groups gnomAD compares: Non-Finnish European, 0.00034%; no homozygotes.

Submission:

Labcorp Genetics (formerly Invitae), Labcorp
Classification: Uncertain significance for Dilated cardiomyopathy 1G; Autosomal recessive limb-girdle muscular dystrophy type 2J. Last evaluated: 2022-01-31. Review status: criteria provided, single submitter. Criteria: Invitae Variant Classification Sherloc (09022015). Collection method: clinical testing. Allele origin: germline.
Comment: This sequence change replaces threonine, which is neutral and polar, with asparagine, which is neutral and polar, at codon 34082 of the TTN protein (p.Thr34082Asn). This variant is present in population databases (no rsID available, gnomAD 0.007%). This variant has not been reported in the literature in individuals affected with TTN-related conditions. Experimental studies and prediction algorithms are not available or were not evaluated, and the functional significance of this variant is currently unknown. In summary, the available evidence is currently insufficient to determine the role of this variant in disease. Therefore, it has been classified as a Variant of Uncertain Significance. This variant is located in the M band of TTN (PMID: 25589632). Variants in this region may be relevant for neuromuscular disorders, but have not been definitively shown to cause cardiomyopathy (PMID: 23975875).

Literature cited by the submitters: PubMed 25589632; PubMed 23975875.

NM_001267550.2(TTN):c.102245C>A (p.Thr34082Asn)

Genes: TTN-AS1 (TTN antisense RNA 1; plus strand), TTN (titin; minus strand). Cytogenetic location: 2q31.2.
Variant type: single nucleotide variant.
Coding change: c.102245C>A on transcript NM_001267550.2 (MANE Select); coding-DNA position 102245, C replaced by A.
Protein change: p.Thr34082Asn; replaces threonine 34082 with asparagine.
Molecular consequence: missense variant.
Genome position (GRCh38, 1-based): chr2:178,534,370, G>T on the plus strand (C>A on the coding strand, the complement: TTN is on the minus strand). VCF-style: chr2-178534370-G-T. GRCh37 (hg19) VCF-style: chr2-179399097-G-T.
Other names: c.97322C>A, p.Thr32441Asn (NM_001256850.1); c.75050C>A, p.Thr25017Asn (NM_003319.4); c.94541C>A, p.Thr31514Asn (NM_133378.4); c.75425C>A, p.Thr25142Asn (NM_133432.3); c.75626C>A, p.Thr25209Asn (NM_133437.4); short protein forms T32441N, T31514N, T25017N, T25209N, T34082N, T25142N.
Identifiers: ClinVar variation 1949182 (VCV001949182.5), dbSNP rs1375940766, ClinGen allele CA349418044.